The following is an entry in ClinVar:

ClinVar aggregate classification (germline): Uncertain significance (1 of 4 stars; one submission).

Conditions:
Ectodermal dysplasia and immunodeficiency 2. Identifiers: Orphanet 238468, Orphanet 98813, MedGen C2677481, MONDO:0012806, OMIM 612132.

Allele frequency attached by ClinVar (database versions not stated): ExAC 0.00001; gnomAD 0.00001.

Submission:

Labcorp Genetics (formerly Invitae), Labcorp
Classification: Uncertain significance for Ectodermal dysplasia and immunodeficiency 2. Last evaluated: 2025-12-15. Review status: criteria provided, single submitter. Criteria: Invitae Variant Classification Sherloc (09022015). Collection method: clinical testing. Allele origin: germline.
Comment: This sequence change replaces glycine, which is neutral and non-polar, with serine, which is neutral and polar, at codon 62 of the NFKBIA protein (p.Gly62Ser). This variant is present in population databases (rs771568277, gnomAD 0.006%). This variant has not been reported in the literature in individuals affected with NFKBIA-related conditions. ClinVar contains an entry for this variant (Variation ID: 2965837). An algorithm developed to predict the effect of missense changes on protein structure and function outputs the following: PolyPhen-2: "Benign". The serine amino acid residue is found in multiple mammalian species, which suggests that this missense change does not adversely affect protein function. In summary, the available evidence is currently insufficient to determine the role of this variant in disease. Therefore, it has been classified as a Variant of Uncertain Significance.

NM_020529.3(NFKBIA):c.184G>A (p.Gly62Ser)

Gene: NFKBIA (NFKB inhibitor alpha; minus strand). Cytogenetic location: 14q13.2.
Variant type: single nucleotide variant.
Coding change: c.184G>A on transcript NM_020529.3 (MANE Select); coding-DNA position 184, G replaced by A.
Protein change: p.Gly62Ser; replaces glycine 62 with serine.
Molecular consequence: missense variant.
Genome position (GRCh38, 1-based): chr14:35,404,461, C>T on the plus strand (G>A on the coding strand, the complement: NFKBIA is on the minus strand). VCF-style: chr14-35404461-C-T. GRCh37 (hg19) VCF-style: chr14-35873667-C-T.
Other names: short protein forms G62S.
Identifiers: ClinVar variation 2965837 (VCV002965837.3), dbSNP rs771568277, ClinGen allele CA7155583.